The following is an entry in ClinVar:

NM_153717.3(EVC):c.188A>G (p.Gln63Arg)

Gene: EVC (EvC ciliary complex subunit 1; plus strand). Cytogenetic location: 4p16.2.
Variant type: single nucleotide variant.
Coding change: c.188A>G on transcript NM_153717.3 (MANE Select); coding-DNA position 188, A replaced by G.
Protein change: p.Gln63Arg; replaces glutamine 63 with arginine.
Molecular consequence: missense variant.
Genome position (GRCh38, 1-based): chr4:5,719,261, A>G. VCF-style: chr4-5719261-A-G. GRCh37 (hg19) VCF-style: chr4-5720988-A-G.
Other names: c.188A>G, p.Gln63Arg (NM_001306090.2, NM_001306092.2); short protein forms Q63R.
Identifiers: ClinVar variation 1441371 (VCV001441371.6), dbSNP rs772017175, ClinGen allele CA2835593.

ClinVar aggregate classification (germline): Uncertain significance (1 of 4 stars; one submission).

Conditions:
Curry-Hall syndrome (WAD). Also called: WEYERS ACRODENTAL DYSOSTOSIS. Identifiers: Orphanet 952, MedGen C0457013, MONDO:0008673, OMIM 193530.
Ellis-van Creveld syndrome (EVC). Also called: MESOECTODERMAL DYSPLASIA; EVC-Related Ellis-van Creveld Syndrome; EVC2-Related Ellis-van Creveld Syndrome; Chondroectodermal dysplasia. Identifiers: Orphanet 289, MedGen C0013903, MONDO:0009162, OMIM 225500.

Allele frequency attached by ClinVar (database versions not stated): gnomAD exomes 0.00002; ExAC 0.00003.
gnomAD v4.1: 22 of 1,614,154 alleles (0.0014%); highest among the groups gnomAD compares: South Asian, 0.024%; no homozygotes.

Submission:

Labcorp Genetics (formerly Invitae), Labcorp
Classification: Uncertain significance for Curry-Hall syndrome; Ellis-van Creveld syndrome. Last evaluated: 2021-08-13. Review status: criteria provided, single submitter. Criteria: Invitae Variant Classification Sherloc (09022015). Collection method: clinical testing. Allele origin: germline.
Comment: This sequence change replaces glutamine with arginine at codon 63 of the EVC protein (p.Gln63Arg). The glutamine residue is weakly conserved and there is a small physicochemical difference between glutamine and arginine. This variant is present in population databases (rs772017175, ExAC 0.02%). This variant has not been reported in the literature in individuals affected with EVC-related conditions. Algorithms developed to predict the effect of missense changes on protein structure and function are either unavailable or do not agree on the potential impact of this missense change (SIFT: "Tolerated"; PolyPhen-2: "Probably Damaging"; Align-GVGD: "Class C0"). In summary, the available evidence is currently insufficient to determine the role of this variant in disease. Therefore, it has been classified as a Variant of Uncertain Significance.